The following is an entry in ClinVar:

NM_001042492.3(NF1):c.6229G>T (p.Asp2077Tyr)

Gene: NF1 (neurofibromin 1; plus strand). Cytogenetic location: 17q11.2.
Variant type: single nucleotide variant.
Coding change: c.6229G>T on transcript NM_001042492.3 (MANE Select); coding-DNA position 6229, G replaced by T.
Protein change: p.Asp2077Tyr; replaces aspartic acid 2077 with tyrosine.
Molecular consequence: missense variant.
Genome position (GRCh38, 1-based): chr17:31,336,716, G>T. VCF-style: chr17-31336716-G-T. GRCh37 (hg19) VCF-style: chr17-29663734-G-T.
Other names: c.6166G>T, p.Asp2056Tyr (NM_000267.4); short protein forms D2056Y, D2077Y.
Identifiers: ClinVar variation 1027242 (VCV001027242.5), dbSNP rs1597842830, ClinGen allele CA399012024.

ClinVar aggregate classification (germline): Uncertain significance (1 of 4 stars; one submission).

Conditions:
Neurofibromatosis, type 1 (NF1). Also called: Peripheral type neurofibromatosis; Neurofibromatosis, type I; VON RECKLINGHAUSEN DISEASE; NEUROFIBROMATOSIS, TYPE I, SOMATIC. Identifiers: Orphanet 636, MedGen C0027831, MONDO:0018975, OMIM 162200. Disease mechanism: loss of function.

Submission:

Labcorp Genetics (formerly Invitae), Labcorp
Classification: Uncertain significance for Neurofibromatosis, type 1. Last evaluated: 2022-01-26. Review status: criteria provided, single submitter. Criteria: Invitae Variant Classification Sherloc (09022015). Collection method: clinical testing. Allele origin: germline.
Comment: Advanced modeling of protein sequence and biophysical properties (such as structural, functional, and spatial information, amino acid conservation, physicochemical variation, residue mobility, and thermodynamic stability) performed at Invitae indicates that this missense variant is expected to disrupt NF1 protein function. In summary, the available evidence is currently insufficient to determine the role of this variant in disease. Therefore, it has been classified as a Variant of Uncertain Significance. ClinVar contains an entry for this variant (Variation ID: 1027242). This variant has not been reported in the literature in individuals affected with NF1-related conditions. This variant is not present in population databases (gnomAD no frequency). This sequence change replaces aspartic acid, which is acidic and polar, with tyrosine, which is neutral and polar, at codon 2056 of the NF1 protein (p.Asp2056Tyr).